The following is an entry in ClinVar:

NM_006659.4(TUBGCP2):c.1825G>A (p.Ala609Thr)

Gene: TUBGCP2 (tubulin gamma complex component 2; minus strand). Cytogenetic location: 10q26.3.
Variant type: single nucleotide variant.
Coding change: c.1825G>A on transcript NM_006659.4 (MANE Select); coding-DNA position 1825, G replaced by A.
Protein change: p.Ala609Thr; replaces alanine 609 with threonine.
Molecular consequence: missense variant. On other transcripts: non-coding transcript variant (1).
Genome position (GRCh38, 1-based): chr10:133,285,526, C>T on the plus strand (G>A on the coding strand, the complement: TUBGCP2 is on the minus strand). VCF-style: chr10-133285526-C-T. GRCh37 (hg19) VCF-style: chr10-135099030-C-T.
Other names: c.1909G>A, p.Ala637Thr (NM_001256617.2); c.1435G>A, p.Ala479Thr (NM_001256618.2); short protein forms A479T, A609T, A637T.
Identifiers: ClinVar variation 1336012 (VCV001336012.38), dbSNP rs142228780, ClinGen allele CA5763856.

ClinVar aggregate classification (germline): Likely benign. Review status: criteria provided, multiple submitters, no conflicts (2 of 4 stars). 4 submissions from 4 submitters: Likely benign (3). 1 of the submissions does not count toward it. Last evaluated 2025-10-01.

Conditions:
TUBGCP2-related disorder. Also called: TUBGCP2-related condition.

Allele frequency attached by ClinVar (database versions not stated): 1000 Genomes Project 0.00020; 1000 Genomes Project 30x 0.00031; TOPMed 0.00177; ExAC 0.00184; gnomAD 0.00190 and 0.00200; gnomAD exomes 0.00193 and 0.00292; ESP Exome Variant Server 0.00223.
gnomAD v4.1: 4,503 of 1,604,266 alleles (0.28%); highest among the groups gnomAD compares: Non-Finnish European, 0.35%; 11 homozygotes.

Submissions (4):

CeGaT Center for Human Genetics Tuebingen
Classification: Likely benign. Last evaluated: 2025-10-01. Review status: criteria provided, single submitter. Criteria: CeGaT Center For Human Genetics Tuebingen Variant Classification Criteria Version 2. Collection method: clinical testing. Allele origin: germline. Affected: yes. Observed: 9 variant alleles.
Comment: TUBGCP2: BS2

Genetic Services Laboratory, University of Chicago
Classification: Likely benign. Last evaluated: 2021-02-17. Review status: criteria provided, single submitter. Criteria: ACMG Guidelines, 2015. Collection method: clinical testing. Allele origin: germline. Affected: no.

Breakthrough Genomics
Classification: Likely benign. Review status: criteria provided, single submitter. Criteria: ACMG Guidelines, 2015. Collection method: not provided. Allele origin: germline. Inheritance: Autosomal recessive inheritance. Affected: yes.

PreventionGenetics, part of Exact Sciences
Classification: Likely benign for TUBGCP2-related condition. Last evaluated: 2022-06-06. Review status: no assertion criteria provided. Collection method: clinical testing. Allele origin: germline. Not counted in ClinVar's aggregate classification.
Comment: This variant is classified as likely benign based on ACMG/AMP sequence variant interpretation guidelines (Richards et al. 2015 PMID: 25741868, with internal and published modifications).